The following is an entry in ClinVar:

ClinVar aggregate classification (germline): Pathogenic (1 of 4 stars; one submission).

Submission:

GeneDx
Classification: Pathogenic. Last evaluated: 2017-09-01. Review status: criteria provided, single submitter. Criteria: GeneDx Variant Classification (06012015). Collection method: clinical testing. Allele origin: germline. Affected: yes.
Comment: This deletion of one nucleotide in RB1 is denoted c.889delA at the cDNA level and p.Ile297TyrfsX4 (I297YfsX4) at the protein level. The normal sequence, with the base that is deleted in brackets, is ATTTT[delA]TACC. The deletion causes a frameshift which changes an Isoleucine to a Tyrosine at codon 297, and creates a premature stop codon at position 4 of the new reading frame. This variant is predicted to cause loss of normal protein function through either protein truncation or nonsense-mediated mRNA decay. RB1 c.889delA has been observed in at least one individual with de novo bilateral retinoblastoma (Ayari Jeridi 2014). We consider this variant to be pathogenic.

NM_000321.3(RB1):c.889del (p.Ile297fs)

Gene: RB1 (RB transcriptional corepressor 1; plus strand). Cytogenetic location: 13q14.2.
Variant type: Deletion.
Coding change: c.889del on transcript NM_000321.3 (MANE Select); coding-DNA position 889, one base deleted (A; older notation c.889delA).
Protein change: p.Ile297fs; shifts the reading frame from isoleucine 297.
Molecular consequence: frameshift variant.
Genome position (GRCh38, 1-based): chr13:48,364,921, A deleted. VCF-style (leftmost placement, unchanged base first): chr13-48364920-TA-T. GRCh37 (hg19) VCF-style: chr13-48939056-TA-T.
Other names: c.889delA (NM_000321.2); short protein forms I297fs.
Identifiers: ClinVar variation 545733 (VCV000545733.2), dbSNP rs1555285133, ClinGen allele CA658823671.